The following is an entry in ClinVar:

NM_000214.3(JAG1):c.40del (p.Pro13_Leu14insTer)

Gene: JAG1 (jagged canonical Notch ligand 1; minus strand). Cytogenetic location: 20p12.2.
Variant type: Deletion.
Coding change: c.40del on transcript NM_000214.3 (MANE Select); coding-DNA position 40, one base deleted (C; older notation c.40delC).
Protein change: p.Pro13_Leu14insTer.
Molecular consequence: nonsense.
Genome position (GRCh38, 1-based): chr20:10,673,491, G deleted on the plus strand (C on the coding strand, the reverse complement: JAG1 is on the minus strand); the first of 5 consecutive G bases (chr20:10,673,491-10,673,495); deleting any one gives the same sequence. VCF-style (leftmost placement, unchanged base first): chr20-10673490-AG-A. GRCh37 (hg19) VCF-style: chr20-10654138-AG-A.
Identifiers: ClinVar variation 4855596 (VCV004855596.1).

ClinVar aggregate classification (germline): Pathogenic (1 of 4 stars; one submission).

Conditions:
Alagille syndrome due to a JAG1 point mutation. Also called: Alagille Syndrome 1; JAG1-Related Alagille Syndrome; HEPATIC DUCTULAR HYPOPLASIA, SYNDROMATIC. Identifiers: Orphanet 261619, Orphanet 52, MedGen C1956125, MONDO:0016862, OMIM 118450.

Submission:

3billion
Classification: Pathogenic for Alagille syndrome due to a JAG1 point mutation. Last evaluated: 2025-11-18. Review status: criteria provided, single submitter. Criteria: ACMG Guidelines, 2015. Collection method: clinical testing. Allele origin: germline. Affected: yes.
Comment: The variant is not observed in the gnomAD v4.1.0 dataset. Predicted Consequence/Location: Stop-gained (nonsense): predicted to result in a loss or disruption of normal protein function through nonsense-mediated decay (NMD) or protein truncation. Multiple pathogenic variants are reported downstream of the variant. The variant has been reported to be associated with JAG1-related disorder (PMID: 11139247). Therefore, this variant is classified as Pathogenic according to the recommendation of ACMG/AMP guideline.

Literature cited by the submitters: PubMed 11139247.